The following is an entry in ClinVar:

ClinVar aggregate classification (germline): Uncertain significance (1 of 4 stars; one submission).

Conditions:
Anauxetic dysplasia. Identifiers: Orphanet 93347, MedGen C1846796, MONDO:0011773.

Allele frequency attached by ClinVar (database versions not stated): TOPMed 0.00001.
gnomAD v4.1: 7 of 694,012 alleles (0.001%); highest among the groups gnomAD compares: South Asian, 0.0044%; no homozygotes.

Submission:

Labcorp Genetics (formerly Invitae), Labcorp
Classification: Uncertain significance for Anauxetic dysplasia. Last evaluated: 2023-04-05. Review status: criteria provided, single submitter. Criteria: Invitae Variant Classification Sherloc (09022015). Collection method: clinical testing. Allele origin: germline.
Comment: In summary, the available evidence is currently insufficient to determine the role of this variant in disease. Therefore, it has been classified as a Variant of Uncertain Significance. Experimental studies and prediction algorithms are not available or were not evaluated, and the functional significance of this variant is currently unknown. ClinVar contains an entry for this variant (Variation ID: 663639). This variant has not been reported in the literature in individuals affected with RMRP-related conditions. This variant is present in population databases (no rsID available, gnomAD 0.004%). This variant occurs in the RMRP gene, which encodes an RNA molecule that does not result in a protein product.

NC_000009.12:g.35657873G>C

Gene: RMRP (RNA component of mitochondrial RNA processing endoribonuclease; minus strand). Cytogenetic location: 9p13.3.
Variant type: single nucleotide variant.
Genome position: GRCh38 VCF-style: chr9-35657873-G-C. GRCh37 (hg19) VCF-style: chr9-35657870-G-C.
Identifiers: ClinVar variation 663639 (VCV000663639.9), dbSNP rs757576534, ClinGen allele CA464450701.